The following is an entry in ClinVar:

ClinVar aggregate classification (germline): Uncertain significance (1 of 4 stars; one submission).

Allele frequency attached by ClinVar (database versions not stated): TOPMed below 0.00001; ExAC 0.00001; gnomAD 0.00002; gnomAD exomes 0.00002.
gnomAD v4.1: 25 of 1,209,434 alleles (0.0021%); highest among the groups gnomAD compares: South Asian, 0.0035%; no homozygotes.

Submission:

GeneDx
Classification: Uncertain significance. Last evaluated: 2024-02-05. Review status: criteria provided, single submitter. Criteria: GeneDx Variant Classification Process June 2021. Collection method: clinical testing. Allele origin: germline. Affected: yes.
Comment: Not observed at significant frequency in large population cohorts (gnomAD); In silico analysis supports that this missense variant does not alter protein structure/function; In silico analysis suggests this variant may impact gene splicing. In the absence of RNA/functional studies, the actual effect of this sequence change is unknown.; Has not been previously published as pathogenic or benign to our knowledge; This variant is associated with the following publications: (PMID: 25641508)

NM_001278116.2(L1CAM):c.3191C>T (p.Ser1064Leu)

Gene: L1CAM (L1 cell adhesion molecule; minus strand). Cytogenetic location: Xq28.
Variant type: single nucleotide variant.
Coding change: c.3191C>T on transcript NM_001278116.2 (MANE Select); coding-DNA position 3191, C replaced by T.
Protein change: p.Ser1064Leu; replaces serine 1064 with leucine.
Molecular consequence: missense variant.
Genome position (GRCh38, 1-based): chrX:153,864,453, G>A on the plus strand (C>T on the coding strand, the complement: L1CAM is on the minus strand). VCF-style: chrX-153864453-G-A. GRCh37 (hg19) VCF-style: chrX-153129908-G-A.
Other names: c.3191C>T, p.Ser1064Leu (NM_000425.5, NM_024003.3); c.3176C>T, p.Ser1059Leu (NM_001143963.2); short protein forms S1059L, S1064L.
Identifiers: ClinVar variation 3253480 (VCV003253480.1), dbSNP rs782535616.